The following is an entry in ClinVar:

NM_024408.4(NOTCH2):c.4013C>T (p.Ser1338Phe)

Gene: NOTCH2 (notch receptor 2; minus strand). Cytogenetic location: 1p12.
Variant type: single nucleotide variant.
Coding change: c.4013C>T on transcript NM_024408.4 (MANE Select); coding-DNA position 4013, C replaced by T.
Protein change: p.Ser1338Phe; replaces serine 1338 with phenylalanine.
Molecular consequence: missense variant.
Genome position (GRCh38, 1-based): chr1:119,925,803, G>A on the plus strand (C>T on the coding strand, the complement: NOTCH2 is on the minus strand). VCF-style: chr1-119925803-G-A. GRCh37 (hg19) VCF-style: chr1-120468426-G-A.
Other names: short protein forms S1338F.
Identifiers: ClinVar variation 4997270 (VCV004997270.1).
Genomic context (GRCh38, chr1:119,925,803, plus strand): 5'-ACACACTGCTCCCCCTTCCTACATTTCACTTGTCCACAGCTGCTCTGGCACCTTGCCCCG[G>A]AAAATCCCTGTGGAAATCAGTGAGGAAATAAAAATGGCATTGGTAGGAAAACAGTCATAT-3'
Protein context (NP_077719.2, residues 1328-1348): GFICRCPPGF[Ser1338Phe]GARCQSSCGQ

ClinVar aggregate classification (germline): Uncertain significance (1 of 4 stars; one submission).

Conditions:
NOTCH2-related disorder. Also called: NOTCH2-related condition.

Submission:

PreventionGenetics, part of Exact Sciences
Classification: Uncertain significance for NOTCH2-related condition. Last evaluated: 2025-03-05. Review status: criteria provided, single submitter. Criteria: ACMG Guidelines, 2015. Collection method: clinical testing. Allele origin: germline.
Comment: The NOTCH2 c.4013C>T variant is predicted to result in the amino acid substitution p.Ser1338Phe. To our knowledge, this variant has not been reported in the literature or in a large population database (gnomAD), indicating this variant is rare. At this time, the clinical significance of this variant is uncertain due to the absence of conclusive functional and genetic evidence.